The following is an entry in ClinVar:

NM_001164508.2(NEB):c.10872+3A>G

Gene: NEB (nebulin; minus strand). Cytogenetic location: 2q23.3.
Variant type: single nucleotide variant.
Coding change: c.10872+3A>G on transcript NM_001164508.2 (MANE Select); 3 bases into the intron after coding-DNA position 10872, A replaced by G.
Molecular consequence: intron variant.
Genome position (GRCh38, 1-based): chr2:151,619,448, T>C on the plus strand (A>G on the coding strand, the complement: NEB is on the minus strand). VCF-style: chr2-151619448-T-C. GRCh37 (hg19) VCF-style: chr2-152475962-T-C.
Other names: p.?; c.10143+3A>G (NM_004543.5); c.10872+3A>G (NM_001164507.2, NM_001271208.2).
Identifiers: ClinVar variation 4536770 (VCV004536770.2).
Genomic context (GRCh38, chr2:151,619,448, plus strand): 5'-AGAACTCACAGACACGTTTCAGATCCGCTTTTAACATGCAGAGCTAACATCAAGGAAACT[T>C]ACGTCACTCTGGAGGTCATAGGCTTTCCGTGCATGAATGATGTCATTCTGGTCGGGCAGG-3'

ClinVar aggregate classification (germline): Conflicting classifications of pathogenicity. Review status: criteria provided, conflicting classifications (1 of 4 stars). 2 submissions from 2 submitters: Uncertain significance (1); Likely benign (1). Last evaluated 2025-11-27.

gnomAD v4.1: 23 of 1,587,960 alleles (0.0014%); highest among the groups gnomAD compares: Non-Finnish European, 0.0019%; no homozygotes.

Submissions (2):

Women's Health and Genetics/Laboratory Corporation of America, LabCorp
Classification: Uncertain significance. Last evaluated: 2025-11-27. Review status: criteria provided, single submitter. Criteria: LabCorp Variant Classification Summary - May 2015. Collection method: clinical testing. Allele origin: germline.

Mayo Clinic Laboratories, Mayo Clinic
Classification: Likely benign. Last evaluated: 2025-11-05. Review status: criteria provided, single submitter. Criteria: ACMG Guidelines, 2015. Collection method: clinical testing. Allele origin: germline. Observed: 1 variant allele.
Comment: BP4, BP7